The following is an entry in ClinVar:

NM_205836.3(FBXO38):c.474T>A (p.Tyr158Ter)

Gene: FBXO38 (F-box protein 38; plus strand). Cytogenetic location: 5q32.
Variant type: single nucleotide variant.
Coding change: c.474T>A on transcript NM_205836.3 (MANE Select); coding-DNA position 474, T replaced by A.
Protein change: p.Tyr158Ter; replaces tyrosine 158 with a stop codon.
Molecular consequence: nonsense.
Genome position (GRCh38, 1-based): chr5:148,402,395, T>A. VCF-style: chr5-148402395-T-A. GRCh37 (hg19) VCF-style: chr5-147781958-T-A.
Other names: c.474T>A, p.Tyr158Ter (NM_001271723.2, NM_030793.5); short protein forms Y158*.
Identifiers: ClinVar variation 1467078 (VCV001467078.6), dbSNP rs2113533186, ClinGen allele CA361655119.

ClinVar aggregate classification (germline): Uncertain significance (1 of 4 stars; one submission).

Conditions:
Distal hereditary motor neuropathy type 2. Identifiers: Orphanet 139525, MedGen C3711384, MeSH C580044, MONDO:0015352.

Submission:

Labcorp Genetics (formerly Invitae), Labcorp
Classification: Uncertain significance for Distal hereditary motor neuropathy type 2. Last evaluated: 2021-06-20. Review status: criteria provided, single submitter. Criteria: Invitae Variant Classification Sherloc (09022015). Collection method: clinical testing. Allele origin: germline.
Comment: This sequence change creates a premature translational stop signal (p.Tyr158*) in the FBXO38 gene. It is expected to result in an absent or disrupted protein product. However, the current clinical and genetic evidence is not sufficient to establish whether loss-of-function variants in FBXO38 cause disease. This variant is not present in population databases (ExAC no frequency). This variant has not been reported in the literature in individuals with FBXO38-related conditions. In summary, the available evidence is currently insufficient to determine the role of this variant in disease. Therefore, it has been classified as a Variant of Uncertain Significance.